The following is an entry in ClinVar:

NM_206933.4(USH2A):c.1025T>C (p.Leu342Pro)

Gene: USH2A (usherin; minus strand). Cytogenetic location: 1q41.
Variant type: single nucleotide variant.
Coding change: c.1025T>C on transcript NM_206933.4 (MANE Select); coding-DNA position 1025, T replaced by C.
Protein change: p.Leu342Pro; replaces leucine 342 with proline.
Molecular consequence: missense variant.
Genome position (GRCh38, 1-based): chr1:216,325,423, A>G on the plus strand (T>C on the coding strand, the complement: USH2A is on the minus strand). VCF-style: chr1-216325423-A-G. GRCh37 (hg19) VCF-style: chr1-216498765-A-G.
Other names: c.1025T>C, p.Leu342Pro (NM_007123.6); short protein forms L342P.
Identifiers: ClinVar variation 958178 (VCV000958178.7), dbSNP rs2037710344, ClinGen allele CA344912416.
Genomic context (GRCh38, chr1:216,325,423, plus strand): 5'-ATGTTTGTAAACACATTTGAAACCCATGAAGTACCAACATCATTATCATTGACAAAAGAG[A>G]GAGGATGGGCTTCAGGATTCAACCGTGACACTCTATTATCAGCTGTGTCTCCTGCATCAT-3'
Protein context (NP_996816.3, residues 332-352): VSRLNPEAHP[Leu342Pro]SFVNDNDVGT

ClinVar aggregate classification (germline): Uncertain significance. Review status: criteria provided, multiple submitters, no conflicts (2 of 4 stars). 2 submissions from 2 submitters: Uncertain significance (2). Last evaluated 2022-10-13.

Allele frequency attached by ClinVar (database versions not stated): gnomAD exomes below 0.00001.
gnomAD v4.1: 1 of 1,613,924 alleles (0.000062%); highest among the groups gnomAD compares: Admixed American, 0.0017%; no homozygotes.

Submissions (2):

Labcorp Genetics (formerly Invitae), Labcorp
Classification: Uncertain significance. Last evaluated: 2022-10-13. Review status: criteria provided, single submitter. Criteria: Invitae Variant Classification Sherloc (09022015). Collection method: clinical testing. Allele origin: germline.
Comment: This sequence change replaces leucine, which is neutral and non-polar, with proline, which is neutral and non-polar, at codon 342 of the USH2A protein (p.Leu342Pro). This variant is not present in population databases (gnomAD no frequency). This variant has not been reported in the literature in individuals affected with USH2A-related conditions. ClinVar contains an entry for this variant (Variation ID: 958178). Advanced modeling of protein sequence and biophysical properties (such as structural, functional, and spatial information, amino acid conservation, physicochemical variation, residue mobility, and thermodynamic stability) performed at Invitae indicates that this missense variant is expected to disrupt USH2A protein function. In summary, the available evidence is currently insufficient to determine the role of this variant in disease. Therefore, it has been classified as a Variant of Uncertain Significance.

Blueprint Genetics
Classification: Uncertain significance. Last evaluated: 2021-11-18. Review status: criteria provided, single submitter. Criteria: ACMG Guidelines, 2015. Collection method: clinical testing. Allele origin: germline.